The following is an entry in ClinVar:

NM_002055.5(GFAP):c.259G>C (p.Val87Leu)

Gene: GFAP (glial fibrillary acidic protein; minus strand). Cytogenetic location: 17q21.31.
Variant type: single nucleotide variant.
Coding change: c.259G>C on transcript NM_002055.5 (MANE Select); coding-DNA position 259, G replaced by C.
Protein change: p.Val87Leu; replaces valine 87 with leucine.
Molecular consequence: missense variant.
Genome position (GRCh38, 1-based): chr17:44,915,228, C>G on the plus strand (G>C on the coding strand, the complement: GFAP is on the minus strand). VCF-style: chr17-44915228-C-G. GRCh37 (hg19) VCF-style: chr17-42992596-C-G.
Other names: c.259G>C, p.Val87Leu (NM_001131019.3, NM_001242376.3, NM_001363846.2); short protein forms V87L.
Identifiers: ClinVar variation 66477 (VCV000066477.8), dbSNP rs267607518, ClinGen allele CA217178.

ClinVar aggregate classification (germline): Pathogenic. Review status: criteria provided, multiple submitters, no conflicts (2 of 4 stars). 4 submissions from 4 submitters: Pathogenic (2). 2 of the submissions do not count toward it. Last evaluated 2024-01-23.

Conditions:
Alexander disease (ALXDRD). Also called: Alexander's disease. Identifiers: Orphanet 58, MedGen C0270726, MONDO:0008752, OMIM 203450.

Submissions (4):

ARUP Laboratories, Molecular Genetics and Genomics, ARUP Laboratories
Classification: Pathogenic for Alexander disease. Last evaluated: 2024-01-23. Review status: criteria provided, single submitter. Criteria: ARUP Molecular Germline Variant Investigation Process 2024. Collection method: clinical testing. Allele origin: germline.
Comment: The GFAP c.259G>C; p.Val87Leu variant (rs267607518; ClinVar Variation ID: 66477) has been reported in at least two individuals with clinical findings consistent with Alexander disease (Mura 2021, Suzuki 2012). This variant has also been identified in at least two additional individuals in cohorts of patients recruited for leukodystrophy (Cohen 2020) or suspected neurogenetic condition (Salinas 2020), but neither were clinically characterized in detail. This variant is absent from the Genome Aggregation Database (v2.1.1), indicating it is not a common polymorphism. Computational analyses predict that this variant is deleterious (REVEL: 0.928). Additionally, other missense variants at this codon in GFAP (e.g., p.Val87Ile) have been reported in Alexander disease (selected reference: Yoshida 2011). Based on available information, this variant is considered to be pathogenic. References: Cohen L et al. Argentinian clinical genomics in a leukodystrophies and genetic leukoencephalopathies cohort: Diagnostic yield in our first 9 years. Ann Hum Genet. 2020 Jan;84(1):11-28. PMID: 31418856. Mura E et al. Alexander disease evolution over time: data from an Italian cohort of pediatric-onset patients. Mol Genet Metab. 2021 Dec;134(4):353-358. PMID: 34865968. Salinas V et al. The odyssey of complex neurogenetic disorders: From undetermined to positive. Am J Med Genet C Semin Med Genet. 2020 Dec;184(4):876-884. PMID: 33084218. Suzuki H et al. Late-onset Alexander disease with a V87L mutation in glial fibrillary acidic protein (GFAP) and calcifying lesions in the sub-cortex and cortex. J Neurol. 2012 Mar;259(3):457-61. PMID: 21822933. Yoshida T et al. Nationwide survey of Alexander disease in Japan and proposed new guidelines for diagnosis. J Neurol. 2011 Nov;258(11):1998-2008. PMID: 21533827.

Illumina Laboratory Services, Illumina
Classification: Pathogenic for Alexander disease. Last evaluated: 2019-02-13. Review status: criteria provided, single submitter. Criteria: ICSLVariantClassificationCriteria RUGD 01 April 2020. Collection method: clinical testing. Allele origin: unknown.
Comment: The GFAP c.259G>C (p.Val87Leu) missense variant is located in the helical rod domain of GFAP. A brain MRI showed atrophy of the medulla oblongata and mild cervical cord atrophy, deep white matter abnormalities, periventricular rim, and signal changes of the medulla oblongata and dentate hilum. A head CT after a fall identified calcification in the subcortical and cortical regions (Suzuki et al. 2012). The p.Val87Leu variant is not found in the Genome Aggregation Database. The helical rod domain or central helical domain of GFAP is critical for interfilament network formation, filament assembly, and stabilization of subunits (Yoshida et al. 2007). Based on the application of ACMG criteria, the p.Val87Leu variant is classified as pathogenic for Alexander disease.

Epithelial Biology;  Institute of Medical Biology, Singapore
No classification provided. Review status: no classification provided. Collection method: not provided. Allele origin: not provided. Not counted in ClinVar's aggregate classification.

GeneReviews
No classification provided. Condition: Alexander disease. Review status: no classification provided. Collection method: literature only. Allele origin: germline. Affected: yes. Not counted in ClinVar's aggregate classification.

Literature cited by the submitters: PubMed 17318298 (cited by Illumina Laboratory Services, Illumina); PubMed 21822933 (cited by Illumina Laboratory Services, Illumina and GeneReviews); NCBI Bookshelf NBK1172 (cited by GeneReviews).